The following is an entry in ClinVar:

ClinVar aggregate classification (germline): Uncertain significance (1 of 4 stars; one submission).

gnomAD v4.1: 4 of 1,613,766 alleles (0.00025%); highest among the groups gnomAD compares: Non-Finnish European, 0.00034%; no homozygotes.

Submission:

Labcorp Genetics (formerly Invitae), Labcorp
Classification: Uncertain significance. Last evaluated: 2024-10-28. Review status: criteria provided, single submitter. Criteria: Invitae Variant Classification Sherloc (09022015). Collection method: clinical testing. Allele origin: germline.
Comment: This sequence change replaces asparagine, which is neutral and polar, with serine, which is neutral and polar, at codon 753 of the TOP2B protein (p.Asn753Ser). This variant is not present in population databases (gnomAD no frequency). This variant has not been reported in the literature in individuals affected with TOP2B-related conditions. An algorithm developed to predict the effect of missense changes on protein structure and function (PolyPhen-2) suggests that this variant is likely to be disruptive. In summary, the available evidence is currently insufficient to determine the role of this variant in disease. Therefore, it has been classified as a Variant of Uncertain Significance.

NM_001330700.2(TOP2B):c.2273A>G (p.Asn758Ser)

Gene: TOP2B (DNA topoisomerase II beta; minus strand). Cytogenetic location: 3p24.2.
Variant type: single nucleotide variant.
Coding change: c.2273A>G on transcript NM_001330700.2 (MANE Select); coding-DNA position 2273, A replaced by G.
Protein change: p.Asn758Ser; replaces asparagine 758 with serine.
Molecular consequence: missense variant.
Genome position (GRCh38, 1-based): chr3:25,624,755, T>C on the plus strand (A>G on the coding strand, the complement: TOP2B is on the minus strand). VCF-style: chr3-25624755-T-C. GRCh37 (hg19) VCF-style: chr3-25666246-T-C.
Other names: c.2258A>G, p.Asn753Ser (NM_001068.3); short protein forms N753S, N758S.
Identifiers: ClinVar variation 3623733 (VCV003623733.2).